The following is an entry in ClinVar:

NM_004563.4(PCK2):c.457_459delinsAGAGGTTTCCAGGCTGTGGATGAGA (p.Gln153fs)

Genes: NRL (neural retina leucine zipper; minus strand), PCK2 (phosphoenolpyruvate carboxykinase 2, mitochondrial; plus strand). Cytogenetic location: 14q11.2.
Variant type: Indel.
Coding change: c.457_459delinsAGAGGTTTCCAGGCTGTGGATGAGA on transcript NM_004563.4 (MANE Select); coding-DNA positions 457 to 459, CAG replaced by AGAGGTTTCCAGGCTGTGGATGAGA.
Protein change: p.Gln153fs; shifts the reading frame from glutamine 153.
Molecular consequence: frameshift variant. On other transcripts: intron variant (3).
Genome position (GRCh38, 1-based): chr14:24,098,384-24,098,386, CAG replaced by AGAGGTTTCCAGGCTGTGGATGAGA. VCF-style: chr14-24098384-CAG-AGAGGTTTCCAGGCTGTGGATGAGA. GRCh37 (hg19) VCF-style: chr14-24567593-CAG-AGAGGTTTCCAGGCTGTGGATGAGA.
Other names: c.457_459delinsAGAGGTTTCCAGGCTGTGGATGAGA, p.Gln153fs (NM_001018073.3); c.55_57delinsAGAGGTTTCCAGGCTGTGGATGAGA, p.Gln19fs (NM_001291556.2, NM_001308054.2); c.-27-15511_-27-15509delinsTCTCATCCACAGCCTGGAAACCTCT (NM_001354768.3, NM_001354770.2); c.-253-13641_-253-13639delinsTCTCATCCACAGCCTGGAAACCTCT (NM_006177.5); short protein forms Q153fs, Q19fs.
Identifiers: ClinVar variation 4884142 (VCV004884142.2).

ClinVar aggregate classification (germline): Uncertain significance (1 of 4 stars; one submission).

Submission:

Dasa
Classification: Uncertain significance. Last evaluated: 2026-01-15. Review status: criteria provided, single submitter. Criteria: DASA Assertion Criteria. Collection method: clinical testing. Allele origin: germline.
Comment: NM_004563.4(PCK2):c.457_459delinsAGAGGTTTCCAGGCTGTGGATGAGA (p.Gln153Argfs*35) is a frameshift variant in PCK2 predicted to alter the reading frame and introduce a premature termination codon. This variant is rare in population databases. The currently available literature and clinical evidence are not sufficient to establish a definitive association between this variant and the reported condition. Therefore, this variant is classified as a variant of uncertain significance.